The following is an entry in ClinVar:

NM_020117.11(LARS1):c.2866C>T (p.Arg956Cys)

Gene: LARS1 (leucyl-tRNA synthetase 1; minus strand). Cytogenetic location: 5q32.
Variant type: single nucleotide variant.
Coding change: c.2866C>T on transcript NM_020117.11 (MANE Select); coding-DNA position 2866, C replaced by T.
Protein change: p.Arg956Cys; replaces arginine 956 with cysteine.
Molecular consequence: missense variant.
Genome position (GRCh38, 1-based): chr5:146,128,686, G>A on the plus strand (C>T on the coding strand, the complement: LARS1 is on the minus strand). VCF-style: chr5-146128686-G-A. GRCh37 (hg19) VCF-style: chr5-145508249-G-A.
Other names: c.2728C>T, p.Arg910Cys (NM_001317964.2); c.2704C>T, p.Arg902Cys (NM_001317965.2); c.2785C>T, p.Arg929Cys (NM_016460.4); short protein forms R902C, R910C, R929C, R956C.
Identifiers: ClinVar variation 3370068 (VCV003370068.2).

ClinVar aggregate classification (germline): Uncertain significance. Review status: criteria provided, multiple submitters, no conflicts (2 of 4 stars). 2 submissions from 2 submitters: Uncertain significance (2). Last evaluated 2025-08-07.

gnomAD v4.1: 39 of 1,579,830 alleles (0.0025%); highest among the groups gnomAD compares: African/African-American, 0.0097%; no homozygotes.

Submissions (2):

Ambry Genetics
Classification: Uncertain significance. Last evaluated: 2025-08-07. Review status: criteria provided, single submitter. Criteria: Ambry Variant Classification Scheme 2023. Collection method: clinical testing. Allele origin: germline.

GeneDx
Classification: Uncertain significance. Last evaluated: 2023-12-28. Review status: criteria provided, single submitter. Criteria: GeneDx Variant Classification Process June 2021. Collection method: clinical testing. Allele origin: germline. Affected: yes.
Comment: In silico analysis supports that this missense variant has a deleterious effect on protein structure/function; Has not been previously published as pathogenic or benign to our knowledge